The following is an entry in ClinVar:

ClinVar aggregate classification (germline): not provided (0 of 4 stars; one submission).

Conditions:
Progressive familial intrahepatic cholestasis type 1. Also called: Severe ATP8B1 Deficiency (Progressive Familial Intrahepatic Cholestasis Type 1 [PFIC1]); Byler's disease; BYLER DISEASE. Identifiers: Orphanet 79306, MedGen C4551898, MONDO:0008892, OMIM 211600.

Allele frequency attached by ClinVar (database versions not stated): ExAC 0.00002; gnomAD exomes 0.00001.
gnomAD v4.1: 3 of 1,613,750 alleles (0.00019%); highest among the groups gnomAD compares: East Asian, 0.0022%; no homozygotes.

Submission:

GeneReviews
No classification provided. Condition: Progressive familial intrahepatic cholestasis type 1. Review status: no classification provided. Collection method: literature only. Allele origin: germline.
Comment: This variant and 627+5G>T commonly found in cis in eastern China; which of the 2 causes disease is unknown

Literature cited by the submitters: PubMed 20038848.

NM_001374385.1(ATP8B1):c.625C>A (p.Pro209Thr)

Gene: ATP8B1 (ATPase phospholipid transporting 8B1; minus strand). Cytogenetic location: 18q21.31.
Variant type: single nucleotide variant.
Coding change: c.625C>A on transcript NM_001374385.1 (MANE Select); coding-DNA position 625, C replaced by A.
Protein change: p.Pro209Thr; replaces proline 209 with threonine.
Molecular consequence: missense variant.
Genome position (GRCh38, 1-based): chr18:57,697,797, G>T on the plus strand (C>A on the coding strand, the complement: ATP8B1 is on the minus strand). VCF-style: chr18-57697797-G-T. GRCh37 (hg19) VCF-style: chr18-55365029-G-T.
Other names: c.475C>A, p.Pro159Thr (NM_001374386.1); c.625C>A, p.Pro209Thr (NM_005603.6); short protein forms P209T, P159T.
Identifiers: ClinVar variation 126383 (VCV000126383.4), dbSNP rs515726138, ClinGen allele CA345470.
Genomic context (GRCh38, chr18:57,697,797, plus strand): 5'-CCGAGCACAGGGGCTGGGGGAGAACAAGGAACAAGAGAAGCAGAATTTGTTCACTTACTG[G>T]AACAAAATCATTTTTTTTCAGACGAATGACGTCTCCAACTTGAATTTCTTTCCACTTAGC-3'
Protein context (NP_001361314.1, residues 199-219): VIRLKKNDFV[Pro209Thr]ADILLLSSSE